The following is an entry in ClinVar:

ClinVar aggregate classification (germline): Benign/Likely benign. Review status: criteria provided, multiple submitters, no conflicts (2 of 4 stars). 2 submissions from 2 submitters: Benign (1); Likely benign (1). Last evaluated 2025-10-07.

Conditions:
Hereditary leiomyomatosis and renal cell cancer. Also called: Familial leiomyomatosis; FH tumor predisposition syndrome; MULTIPLE CUTANEOUS AND UTERINE LEIOMYOMATA 1, WITH OR WITHOUT RENAL CELL CARCINOMA; LEIOMYOMA, MULTIPLE CUTANEOUS; Reed syndrome; Multiple cutaneous and uterine leiomyomatosis. Identifiers: Orphanet 523, MedGen C1708350, MONDO:0007888, OMIM 150800, HP:0007437. Disease mechanism: loss of function.

Submissions (2):

Labcorp Genetics (formerly Invitae), Labcorp
Classification: Likely benign. Last evaluated: 2025-10-07. Review status: criteria provided, single submitter. Criteria: Invitae Variant Classification Sherloc (09022015). Collection method: clinical testing. Allele origin: germline.

Myriad Genetics, Inc.
Classification: Benign for Hereditary leiomyomatosis and renal cell cancer. Last evaluated: 2024-10-18. Review status: criteria provided, single submitter. Criteria: Myriad Autosomal Dominant, Autosomal Recessive and X-Linked Classification Criteria (2023). Collection method: clinical testing. Allele origin: unknown.
Comment: This variant is considered benign. This variant is a silent/synonymous amino acid change and it is not expected to impact splicing.

NM_000143.4(FH):c.927G>C (p.Pro309=)

Gene: FH (fumarate hydratase; minus strand). Cytogenetic location: 1q43.
Variant type: single nucleotide variant.
Coding change: c.927G>C on transcript NM_000143.4 (MANE Select); coding-DNA position 927, G replaced by C.
Protein change: p.Pro309=; no amino-acid change (proline 309 retained).
Molecular consequence: synonymous variant.
Genome position (GRCh38, 1-based): chr1:241,504,223, C>G on the plus strand (G>C on the coding strand, the complement: FH is on the minus strand). VCF-style: chr1-241504223-C-G. GRCh37 (hg19) VCF-style: chr1-241667523-C-G.
Identifiers: ClinVar variation 2984660 (VCV002984660.4), dbSNP rs61737760, ClinGen allele CA424075849.